The following is an entry in ClinVar:

ClinVar aggregate classification (germline): Uncertain significance. Review status: criteria provided, single submitter (1 of 4 stars). 2 submissions from 2 submitters: Uncertain significance (1). 1 of the submissions does not count toward it. Last evaluated 2025-10-06.

Conditions:
Hypertrophic cardiomyopathy. Also called: HYPERTROPHIC MYOCARDIOPATHY. Identifiers: Orphanet 217569, MedGen C0007194, MeSH D002312, MONDO:0005045, HP:0001639.

Submissions (2):

Labcorp Genetics (formerly Invitae), Labcorp
Classification: Uncertain significance for Hypertrophic cardiomyopathy. Last evaluated: 2025-10-06. Review status: criteria provided, single submitter. Criteria: Invitae Variant Classification Sherloc (09022015). Collection method: clinical testing. Allele origin: germline.
Comment: This sequence change replaces lysine, which is basic and polar, with glutamic acid, which is acidic and polar, at codon 1444 of the MYH7 protein (p.Lys1444Glu). This variant is not present in population databases (gnomAD no frequency). This missense change has been observed in individual(s) with dilated cardiomyopathy (internal data). ClinVar contains an entry for this variant (Variation ID: 43008). Invitae Evidence Modeling of protein sequence and biophysical properties (such as structural, functional, and spatial information, amino acid conservation, physicochemical variation, residue mobility, and thermodynamic stability) indicates that this missense variant is expected to disrupt MYH7 protein function with a positive predictive value of 95%. In summary, the available evidence is currently insufficient to determine the role of this variant in disease. Therefore, it has been classified as a Variant of Uncertain Significance.

Laboratory for Molecular Medicine, Mass General Brigham Personalized Medicine
Classification: Uncertain significance. Last evaluated: 2014-01-16. Review status: no assertion criteria provided. Collection method: clinical testing. Allele origin: germline. Observed: 3 variant alleles. Not counted in ClinVar's aggregate classification.
Comment: proposed classification - variant undergoing re-assessment, contact laboratory

NM_000257.4(MYH7):c.4330A>G (p.Lys1444Glu)

Genes: MHRT (myosin heavy chain associated RNA transcript; plus strand), MYH7 (myosin heavy chain 7; minus strand). Cytogenetic location: 14q11.2.
Variant type: single nucleotide variant.
Coding change: c.4330A>G on transcript NM_000257.4 (MANE Select); coding-DNA position 4330, A replaced by G.
Protein change: p.Lys1444Glu; replaces lysine 1444 with glutamic acid.
Molecular consequence: missense variant.
Genome position (GRCh38, 1-based): chr14:23,417,526, T>C on the plus strand (A>G on the coding strand, the complement: MYH7 is on the minus strand). VCF-style: chr14-23417526-T-C. GRCh37 (hg19) VCF-style: chr14-23886735-T-C.
Other names: short protein forms K1444E.
Identifiers: ClinVar variation 43008 (VCV000043008.5), dbSNP rs397516210, ClinGen allele CA014823.